The following is an entry in ClinVar:

ClinVar aggregate classification (germline): Likely benign. Review status: criteria provided, multiple submitters, no conflicts (2 of 4 stars). 2 submissions from 2 submitters: Likely benign (2). Last evaluated 2024-10-04.

Conditions:
Familial cancer of breast. Also called: hereditary breast carcinoma; BREAST CANCER, FAMILIAL; Hereditary breast cancer. Identifiers: Orphanet 227535, MedGen C0346153, MONDO:0016419, OMIM 114480. Disease mechanism: loss of function.

Submissions (2):

Myriad Genetics, Inc.
Classification: Likely benign for Familial cancer of breast. Last evaluated: 2024-10-04. Review status: criteria provided, single submitter. Criteria: Myriad Autosomal Dominant, Autosomal Recessive and X-Linked Classification Criteria (2023). Collection method: clinical testing. Allele origin: unknown.
Comment: This variant is considered likely benign. This variant is intronic and is not expected to impact mRNA splicing.

Labcorp Genetics (formerly Invitae), Labcorp
Classification: Likely benign for Familial cancer of breast. Last evaluated: 2023-06-09. Review status: criteria provided, single submitter. Criteria: Invitae Variant Classification Sherloc (09022015). Collection method: clinical testing. Allele origin: germline.

NM_007194.4(CHEK2):c.909-10T>C

Gene: CHEK2 (checkpoint kinase 2; minus strand). Cytogenetic location: 22q12.1.
Variant type: single nucleotide variant.
Coding change: c.909-10T>C on transcript NM_007194.4 (MANE Select); 10 bases into the intron before coding-DNA position 909, T replaced by C.
Molecular consequence: intron variant.
Genome position (GRCh38, 1-based): chr22:28,699,947, A>G on the plus strand (T>C on the coding strand, the complement: CHEK2 is on the minus strand). VCF-style: chr22-28699947-A-G. GRCh37 (hg19) VCF-style: chr22-29095935-A-G.
Other names: c.246-10T>C (NM_001437942.1, NM_001257387.3); c.708-10T>C (NM_001349956.3); c.909-10T>C (NM_145862.3); c.1002-10T>C (NM_001438295.1, NM_001438293.1); c.1038-10T>C (NM_001438294.1, NM_001005735.3).
Identifiers: ClinVar variation 1079327 (VCV001079327.11), dbSNP rs864622231, ClinGen allele CA2499226074.